The following is an entry in ClinVar:

NM_000489.6(ATRX):c.1828C>G (p.Gln610Glu)

Gene: ATRX (ATRX chromatin remodeler; minus strand). Cytogenetic location: Xq21.1.
Variant type: single nucleotide variant.
Coding change: c.1828C>G on transcript NM_000489.6 (MANE Select); coding-DNA position 1828, C replaced by G.
Protein change: p.Gln610Glu; replaces glutamine 610 with glutamic acid.
Molecular consequence: missense variant.
Genome position (GRCh38, 1-based): chrX:77,683,428, G>C on the plus strand (C>G on the coding strand, the complement: ATRX is on the minus strand). VCF-style: chrX-77683428-G-C. GRCh37 (hg19) VCF-style: chrX-76938920-G-C.
Other names: c.1714C>G, p.Gln572Glu (NM_138270.5); short protein forms Q572E, Q610E.
Identifiers: ClinVar variation 2446475 (VCV002446475.1), dbSNP rs2148613975, ClinGen allele CA413716102.

ClinVar aggregate classification (germline): Uncertain significance (1 of 4 stars; one submission).

Submission:

GeneDx
Classification: Uncertain significance. Last evaluated: 2022-09-29. Review status: criteria provided, single submitter. Criteria: GeneDx Variant Classification Process June 2021. Collection method: clinical testing. Allele origin: germline. Affected: yes.
Comment: Not observed at significant frequency in large population cohorts (gnomAD); In silico analysis supports that this missense variant does not alter protein structure/function; Has not been previously published as pathogenic or benign to our knowledge